The following is an entry in ClinVar:

NM_032578.4(MYPN):c.246_247delinsTT (p.Ile83Phe)

Gene: MYPN (myopalladin; plus strand). Cytogenetic location: 10q21.3.
Variant type: Indel.
Coding change: c.246_247delinsTT on transcript NM_032578.4 (MANE Select); coding-DNA positions 246 to 247, CA replaced by TT.
Protein change: p.Ile83Phe; replaces isoleucine 83 with phenylalanine.
Molecular consequence: missense variant. On other transcripts: 5 prime UTR variant (1), non-coding transcript variant (1).
Genome position (GRCh38, 1-based): chr10:68,121,684-68,121,685, CA replaced by TT. VCF-style: chr10-68121684-CA-TT. GRCh37 (hg19) VCF-style: chr10-69881441-CA-TT.
Other names: c.246_247delinsTT, p.Ile83Phe (NM_001256267.2); c.-877_-876delinsTT (NM_001256268.2); short protein forms I83F.
Identifiers: ClinVar variation 3402123 (VCV003402123.1).

ClinVar aggregate classification (germline): Uncertain significance (1 of 4 stars; one submission).

Conditions:
Cardiovascular phenotype. Identifiers: MedGen CN230736.

Submission:

Ambry Genetics
Classification: Uncertain significance for Cardiovascular phenotype. Last evaluated: 2024-12-05. Review status: criteria provided, single submitter. Criteria: Ambry Variant Classification Scheme 2023. Collection method: clinical testing. Allele origin: germline.
Comment: The c.246_247delCAinsTT variant (also known as p.I83F), located in coding exon 1 of the MYPN gene, results from an in-frame deletion of CA and insertion of TT at nucleotide positions 246 to 247. This results in the substitution of the isoleucine residue for a phenylalanine residue at codon 83, an amino acid with highly similar properties. This amino acid position is highly conserved in available vertebrate species. In addition, this alteration is predicted to be tolerated by in silico analysis. Based on the available evidence, the clinical significance of this variant remains unclear.